The following is an entry in ClinVar:

NM_003200.5(TCF3):c.1475C>T (p.Ala492Val)

Gene: TCF3 (transcription factor 3; minus strand). Cytogenetic location: 19p13.3.
Variant type: single nucleotide variant.
Coding change: c.1475C>T on transcript NM_003200.5 (MANE Select); coding-DNA position 1475, C replaced by T.
Protein change: p.Ala492Val; replaces alanine 492 with valine.
Molecular consequence: missense variant.
Genome position (GRCh38, 1-based): chr19:1,615,797, G>A on the plus strand (C>T on the coding strand, the complement: TCF3 is on the minus strand). VCF-style: chr19-1615797-G-A. GRCh37 (hg19) VCF-style: chr19-1615796-G-A.
Other names: c.1475C>T, p.Ala492Val (NM_001136139.4, NM_001351779.2); c.1472C>T, p.Ala491Val (NM_001351778.2); short protein forms A491V, A492V.
Identifiers: ClinVar variation 1165836 (VCV001165836.13), dbSNP rs2074888, ClinGen allele CA9049805.

ClinVar aggregate classification (germline): Benign/Likely benign. Review status: criteria provided, multiple submitters, no conflicts (2 of 4 stars). 5 submissions from 5 submitters: Benign (3); Likely benign (1). 1 of the submissions does not count toward it. Last evaluated 2026-02-04.

Conditions:
Myeloproliferative neoplasm, unclassifiable. Identifiers: Orphanet 86830, MedGen C1333046, MONDO:0019452.

Allele frequency attached by ClinVar (database versions not stated): ESP Exome Variant Server 0.01346; gnomAD exomes 0.02239 and 0.05943; gnomAD 0.02845 and 0.03468; ExAC 0.05265; 1000 Genomes Project 30x 0.10712; 1000 Genomes Project 0.11362.
gnomAD v4.1: 37,910 of 1,574,730 alleles (2.4%); highest among the groups gnomAD compares: East Asian, 40%; 4,192 homozygotes.

Submissions (5):

Labcorp Genetics (formerly Invitae), Labcorp
Classification: Benign. Last evaluated: 2026-02-04. Review status: criteria provided, single submitter. Criteria: Invitae Variant Classification Sherloc (09022015). Collection method: clinical testing. Allele origin: germline.

Women's Health and Genetics/Laboratory Corporation of America, LabCorp
Classification: Likely benign. Last evaluated: 2026-01-21. Review status: criteria provided, single submitter. Criteria: LabCorp Variant Classification Summary - May 2015. Collection method: clinical testing. Allele origin: germline.

Laboratory of Genetics, Children's Clinical University Hospital Latvia
Classification: Benign. Last evaluated: 2025-02-16. Review status: criteria provided, single submitter. Criteria: ACMG Guidelines, 2015. Collection method: clinical testing. Allele origin: germline. Affected: yes.

Breakthrough Genomics
Classification: Benign. Review status: criteria provided, single submitter. Criteria: ACMG Guidelines, 2015. Collection method: not provided. Allele origin: germline. Inheritance: Autosomal recessive inheritance. Affected: yes.

Dept. of Cytogenetics, ICMR- National Institute of Immunohaematology
Classification: Likely pathogenic for Myeloproliferative neoplasm, unclassifiable. Last evaluated: 2022-08-25. Review status: flagged submission. Criteria: Oncogenicity SOP (ClinGen, CGC, VICC guidelines) 2022. Collection method: clinical testing. Allele origin: somatic. Affected: yes. Observed: 8 variant alleles. Not counted in ClinVar's aggregate classification.
ClinVar note: Notes: Variant is present in 2.4 % of alleles with over 4000 homozygotes in gnomAD.
ClinVar note: Reason: Outlier claim with insufficient supporting evidence